The following is an entry in ClinVar:

ClinVar aggregate classification (germline): Benign/Likely benign (0 of 4 stars; one submission).

Submission:

ISCA Site 6
Classification: Benign/Likely benign. Review status: no assertion criteria provided. Collection method: clinical testing. Allele origin: unknown. Affected: yes. Observed: 16 variant alleles. Clinical features observed: Developmental delay AND/OR other significant developmental or morphological phenotypes.
Comment: Likely benign (2), Benign (14)

Copy number variation identified through the course of routine clinical cytogenomic testing in postnatal populations, with clinical assertions as classified by the original submitter. For data from the original published study, Kaminsky, et al. 2011 (PubMed 21844811), please see nstd101.

GRCh37/hg19 16p13.3(chr16:1279620-1306279)x3

Genes: TPSAB1 (tryptase alpha/beta 1; plus strand), TPSB2 (tryptase beta 2; minus strand), TPSD1 (tryptase delta 1; plus strand). Cytogenetic location: 16p13.3.
Variant type: copy number gain.
Change: copy number 3 (three copies instead of two) of chr16:1,279,620-1,306,279 (26.7 kb, GRCh37 coordinates, 1-based), cytogenetic band 16p13.3.
Identifiers: ClinVar variation 393866 (VCV000393866.3).